The following is an entry in ClinVar:

ClinVar aggregate classification (germline): Pathogenic (1 of 4 stars; one submission).

Conditions:
Danon disease. Also called: ANTOPOL DISEASE; PSEUDOGLYCOGENOSIS II; GSD IIb; LYSOSOMAL GLYCOGEN STORAGE DISEASE WITHOUT ACID MALTASE DEFICIENCY; Glycogen Storage Disease Type IIb. Identifiers: Orphanet 34587, MedGen C0878677, MONDO:0010281, OMIM 300257.

Submission:

Labcorp Genetics (formerly Invitae), Labcorp
Classification: Pathogenic for Danon disease. Last evaluated: 2023-05-23. Review status: criteria provided, single submitter. Criteria: Invitae Variant Classification Sherloc (09022015). Collection method: clinical testing. Allele origin: germline.
Comment: For these reasons, this variant has been classified as Pathogenic. This premature translational stop signal has been observed in individual(s) with cardiomyopathy (PMID: 27532257). This variant is not present in population databases (gnomAD no frequency). This sequence change creates a premature translational stop signal (p.Leu42Phefs*7) in the LAMP2 gene. It is expected to result in an absent or disrupted protein product. Loss-of-function variants in LAMP2 are known to be pathogenic (PMID: 21415759).

Literature cited by the submitters: PubMed 27532257; PubMed 21415759.

NM_002294.3(LAMP2):c.124del (p.Leu42fs)

Gene: LAMP2 (lysosome associated membrane protein 2; minus strand). Cytogenetic location: Xq24.
Variant type: Deletion.
Coding change: c.124del on transcript NM_002294.3 (MANE Select); coding-DNA position 124, one base deleted (C; older notation c.124delC).
Protein change: p.Leu42fs; shifts the reading frame from leucine 42.
Molecular consequence: frameshift variant.
Genome position (GRCh38, 1-based): chrX:120,456,710, G deleted on the plus strand (C on the coding strand, the reverse complement: LAMP2 is on the minus strand); the first of 2 consecutive G bases (chrX:120,456,710-120,456,711); deleting either gives the same sequence. VCF-style (leftmost placement, unchanged base first): chrX-120456709-AG-A. GRCh37 (hg19) VCF-style: chrX-119590564-AG-A.
Other names: c.124del, p.Leu42fs (NM_001122606.1, NM_013995.2); short protein forms L42fs.
Identifiers: ClinVar variation 2737362 (VCV002737362.3), dbSNP rs2147287645, ClinGen allele CA2573055086.
Genomic context (GRCh38, chrX:120,456,709, plus strand): 5'-ACATAAGTTTTATTTGTAGTTTCATAGCGTACTGTGAAATTCATCTGCCATTTTGCATAA[AG>A]GCAAGTGGCATTTTCTGAATCTGTCAAATTAAGTTCCAATGCATAAGACCGCACAGCTCC-3'